The following is an entry in ClinVar:

NM_002691.4(POLD1):c.2546G>T (p.Arg849Leu)

Gene: POLD1 (DNA polymerase delta 1, catalytic subunit; plus strand). Cytogenetic location: 19q13.33.
Variant type: single nucleotide variant.
Coding change: c.2546G>T on transcript NM_002691.4 (MANE Select); coding-DNA position 2546, G replaced by T.
Protein change: p.Arg849Leu; replaces arginine 849 with leucine.
Molecular consequence: missense variant. On other transcripts: non-coding transcript variant (1).
Genome position (GRCh38, 1-based): chr19:50,414,972, G>T. VCF-style: chr19-50414972-G-T. GRCh37 (hg19) VCF-style: chr19-50918229-G-T.
Other names: c.2546G>T, p.Arg849Leu (NM_001256849.1); c.2624G>T, p.Arg875Leu (NM_001308632.1); c.2546G>T (NM_002691.2); short protein forms R875L, R849L.
Identifiers: ClinVar variation 1898678 (VCV001898678.6), dbSNP rs3218775, ClinGen allele CA406985222.

ClinVar aggregate classification (germline): Conflicting classifications of pathogenicity. Review status: criteria provided, conflicting classifications (1 of 4 stars). 2 submissions from 2 submitters: Uncertain significance (1); Likely benign (1). Last evaluated 2025-12-02.

Conditions:
POLD1-related polyposis and colorectal cancer syndrome (CRCS10). Also called: Colorectal cancer 10; COLORECTAL CANCER, SUSCEPTIBILITY TO, ON CHROMOSOME 19q; Colorectal cancer, susceptibility to, 10. Identifiers: Orphanet 220460, MedGen C2675481, MONDO:0012953, OMIM 612591.
Hereditary cancer-predisposing syndrome. Also called: Tumor predisposition; Hereditary Cancer Syndrome; Hereditary neoplastic syndrome; Neoplastic Syndromes, Hereditary. Identifiers: Orphanet 140162, MedGen C0027672, MeSH D009386, MONDO:0015356.

gnomAD v4.1: 1 of 1,590,212 alleles (0.000063%); highest among the groups gnomAD compares: Non-Finnish European, 0.000086%; no homozygotes.

Submissions (2):

Ambry Genetics
Classification: Likely benign for Hereditary cancer-predisposing syndrome. Last evaluated: 2025-12-02. Review status: criteria provided, single submitter. Criteria: Ambry Variant Classification Scheme 2023. Collection method: clinical testing. Allele origin: germline.

Labcorp Genetics (formerly Invitae), Labcorp
Classification: Uncertain significance for POLD1-related polyposis and colorectal cancer syndrome. Last evaluated: 2025-01-15. Review status: criteria provided, single submitter. Criteria: Invitae Variant Classification Sherloc (09022015). Collection method: clinical testing. Allele origin: germline.
Comment: This sequence change replaces arginine, which is basic and polar, with leucine, which is neutral and non-polar, at codon 849 of the POLD1 protein (p.Arg849Leu). This variant is not present in population databases (gnomAD no frequency). This variant has not been reported in the literature in individuals affected with POLD1-related conditions. ClinVar contains an entry for this variant (Variation ID: 1898678). Invitae Evidence Modeling of protein sequence and biophysical properties (such as structural, functional, and spatial information, amino acid conservation, physicochemical variation, residue mobility, and thermodynamic stability) indicates that this missense variant is not expected to disrupt POLD1 protein function with a negative predictive value of 80%. In summary, the available evidence is currently insufficient to determine the role of this variant in disease. Therefore, it has been classified as a Variant of Uncertain Significance.